The following is an entry in ClinVar:

ClinVar aggregate classification (germline): Conflicting classifications of pathogenicity. Review status: criteria provided, conflicting classifications (1 of 4 stars). 3 submissions from 3 submitters: Uncertain significance (1); Likely benign (1). 1 of the submissions does not count toward it. Last evaluated 2024-05-09.

Conditions:
FAT2-related disorder. Also called: FAT2-related condition.

Allele frequency attached by ClinVar (database versions not stated): gnomAD exomes 0.00002; ExAC 0.00010; 1000 Genomes Project 30x 0.00016; 1000 Genomes Project 0.00020; gnomAD 0.00023; TOPMed 0.00028; ESP Exome Variant Server 0.00054.
gnomAD v4.1: 62 of 1,610,652 alleles (0.0038%); highest among the groups gnomAD compares: African/African-American, 0.079%; no homozygotes.

Submissions (3):

Labcorp Genetics (formerly Invitae), Labcorp
Classification: Uncertain significance. Last evaluated: 2024-05-09. Review status: criteria provided, single submitter. Criteria: Invitae Variant Classification Sherloc (09022015). Collection method: clinical testing. Allele origin: germline.
Comment: This sequence change replaces serine, which is neutral and polar, with glycine, which is neutral and non-polar, at codon 1599 of the FAT2 protein (p.Ser1599Gly). This variant is present in population databases (rs143161827, gnomAD 0.09%), and has an allele count higher than expected for a pathogenic variant. This variant has not been reported in the literature in individuals affected with FAT2-related conditions. ClinVar contains an entry for this variant (Variation ID: 2214876). Advanced modeling of protein sequence and biophysical properties (such as structural, functional, and spatial information, amino acid conservation, physicochemical variation, residue mobility, and thermodynamic stability) performed at Invitae indicates that this missense variant is not expected to disrupt FAT2 protein function with a negative predictive value of 80%. In summary, the available evidence is currently insufficient to determine the role of this variant in disease. Therefore, it has been classified as a Variant of Uncertain Significance.

Ambry Genetics
Classification: Likely benign. Last evaluated: 2021-07-26. Review status: criteria provided, single submitter. Criteria: Ambry Variant Classification Scheme 2023. Collection method: clinical testing. Allele origin: germline.

PreventionGenetics, part of Exact Sciences
Classification: Likely benign for FAT2-related condition. Last evaluated: 2022-07-28. Review status: no assertion criteria provided. Collection method: clinical testing. Allele origin: germline. Not counted in ClinVar's aggregate classification.
Comment: This variant is classified as likely benign based on ACMG/AMP sequence variant interpretation guidelines (Richards et al. 2015 PMID: 25741868, with internal and published modifications).

NM_001447.3(FAT2):c.4795A>G (p.Ser1599Gly)

Genes: FAT2 (FAT atypical cadherin 2; minus strand), SLC36A1 (solute carrier family 36 member 1; plus strand). Cytogenetic location: 5q33.1.
Variant type: single nucleotide variant.
Coding change: c.4795A>G on transcript NM_001447.3 (MANE Select); coding-DNA position 4795, A replaced by G.
Protein change: p.Ser1599Gly; replaces serine 1599 with glycine.
Molecular consequence: missense variant.
Genome position (GRCh38, 1-based): chr5:151,546,332, T>C on the plus strand (A>G on the coding strand, the complement: FAT2 is on the minus strand). VCF-style: chr5-151546332-T-C. GRCh37 (hg19) VCF-style: chr5-150925893-T-C.
Other names: short protein forms S1599G.
Identifiers: ClinVar variation 2214876 (VCV002214876.5), dbSNP rs143161827, ClinGen allele CA3521434.